The following is an entry in ClinVar:

ClinVar aggregate classification (germline): Conflicting classifications of pathogenicity. Review status: criteria provided, conflicting classifications (1 of 4 stars). 6 submissions from 6 submitters: Uncertain significance (3); Likely benign (3). Last evaluated 2025-12-01.

Conditions:
RECQL4-related disorder. Also called: RECQL4-related disorders; RECQL4-related condition.
Rothmund-Thomson syndrome type 2 (RTS2). Identifiers: Orphanet 221016, MedGen C5203410, MONDO:0016369, OMIM 268400.
Baller-Gerold syndrome (BGS). Also called: CRANIOSYNOSTOSIS WITH RADIAL DEFECTS. Identifiers: Orphanet 1225, MedGen C0265308, MONDO:0009039, OMIM 218600.

Allele frequency attached by ClinVar (database versions not stated): ESP Exome Variant Server 0.00008; gnomAD exomes 0.00013; TOPMed 0.00013; gnomAD 0.00014 and 0.00016; ExAC 0.00020.
gnomAD v4.1: 138 of 1,571,176 alleles (0.0088%); highest among the groups gnomAD compares: South Asian, 0.042%; 1 homozygote.

Submissions (6):

Labcorp Genetics (formerly Invitae), Labcorp
Classification: Likely benign for Baller-Gerold syndrome. Last evaluated: 2025-12-01. Review status: criteria provided, single submitter. Criteria: Invitae Variant Classification Sherloc (09022015). Collection method: clinical testing. Allele origin: germline.

CeGaT Center for Human Genetics Tuebingen
Classification: Likely benign. Last evaluated: 2025-08-01. Review status: criteria provided, single submitter. Criteria: CeGaT Center For Human Genetics Tuebingen Variant Classification Criteria Version 2. Collection method: clinical testing. Allele origin: germline. Affected: yes. Observed: 1 variant allele.
Comment: RECQL4: BP4

PreventionGenetics, part of Exact Sciences
Classification: Uncertain significance for RECQL4-related condition. Last evaluated: 2025-06-13. Review status: criteria provided, single submitter. Criteria: ACMG Guidelines, 2015. Collection method: clinical testing. Allele origin: germline.
Comment: The RECQL4 c.2503G>A variant is predicted to result in the amino acid substitution p.Asp835Asn. To our knowledge, this variant has not been reported in the literature. This variant is reported in 0.046% of alleles in individuals of African descent in gnomAD, including a homozygous individual. At this time, the clinical significance of this variant is uncertain due to the absence of conclusive functional and genetic evidence.

GeneDx
Classification: Uncertain significance. Last evaluated: 2025-01-22. Review status: criteria provided, single submitter. Criteria: GeneDx Variant Classification Process June 2021. Collection method: clinical testing. Allele origin: germline. Affected: yes.
Comment: In silico analysis indicates that this missense variant does not alter protein structure/function; Has not been previously published as pathogenic or benign to our knowledge

Blueprint Genetics
Classification: Likely benign. Last evaluated: 2023-11-20. Review status: criteria provided, single submitter. Criteria: ACMG Guidelines, 2015. Collection method: clinical testing. Allele origin: germline.

St. Jude Molecular Pathology, St. Jude Children's Research Hospital
Classification: Uncertain significance for Rothmund-Thomson syndrome type 2. Last evaluated: 2023-10-16. Review status: criteria provided, single submitter. Criteria: St. Jude Assertion Criteria 2020. Collection method: clinical testing. Allele origin: germline.
Comment: The RECQL4 c.2503G>A (p.Asp835Asn) missense change has a maximum subpopulation frequency of 0.046% in gnomAD v2.1.1. In silico tools are inconclusive about a pathogenic or benign effect of this variant on protein function, and to our knowledge functional studies have not been performed. To our knowledge, this variant has not been reported in individuals with RECQL4-associated conditions. In summary, the evidence currently available is insufficient to determine the clinical significance of this variant. It has therefore been classified as of uncertain significance.

NM_004260.4(RECQL4):c.2503G>A (p.Asp835Asn)

Gene: RECQL4 (RecQ like helicase 4; minus strand). Cytogenetic location: 8q24.3.
Variant type: single nucleotide variant.
Coding change: c.2503G>A on transcript NM_004260.4 (MANE Select); coding-DNA position 2503, G replaced by A.
Protein change: p.Asp835Asn; replaces aspartic acid 835 with asparagine.
Molecular consequence: missense variant.
Genome position (GRCh38, 1-based): chr8:144,513,099, C>T on the plus strand (G>A on the coding strand, the complement: RECQL4 is on the minus strand). VCF-style: chr8-144513099-C-T. GRCh37 (hg19) VCF-style: chr8-145738482-C-T.
Other names: short protein forms D835N.
Identifiers: ClinVar variation 239735 (VCV000239735.25), dbSNP rs373187237, ClinGen allele CA4948209.
Genomic context (GRCh38, chr8:144,513,099, plus strand): 5'-AGGTGCAGGCTGGGAACACGCGCTGTACCAGCCTCTTCACAGCCAGGAAGTCCGTGCTGT[C>T]GGCGTGCACATGTCTGCGCAGCTCTCGCAGGTCTTCGCCCTGCAGGGCAACTTTCATGAG-3'
Protein context (NP_004251.4, residues 825-845): LRELRRHVHA[Asp835Asn]STDFLAVKRL